The following is an entry in ClinVar:

NM_000350.3(ABCA4):c.6211T>G (p.Tyr2071Asp)

Gene: ABCA4 (ATP binding cassette subfamily A member 4; minus strand). Cytogenetic location: 1p22.1.
Variant type: single nucleotide variant.
Coding change: c.6211T>G on transcript NM_000350.3 (MANE Select); coding-DNA position 6211, T replaced by G.
Protein change: p.Tyr2071Asp; replaces tyrosine 2071 with aspartic acid.
Molecular consequence: missense variant.
Genome position (GRCh38, 1-based): chr1:94,001,929, A>C on the plus strand (T>G on the coding strand, the complement: ABCA4 is on the minus strand). VCF-style: chr1-94001929-A-C. GRCh37 (hg19) VCF-style: chr1-94467485-A-C.
Other names: c.5989T>G, p.Tyr1997Asp (NM_001425324.1); short protein forms Y2071D, Y1997D.
Identifiers: ClinVar variation 1436516 (VCV001436516.6), dbSNP rs1659197227, ClinGen allele CA341278272.

ClinVar aggregate classification (germline): Uncertain significance (1 of 4 stars; one submission).

Submission:

Labcorp Genetics (formerly Invitae), Labcorp
Classification: Uncertain significance. Last evaluated: 2021-11-11. Review status: criteria provided, single submitter. Criteria: Invitae Variant Classification Sherloc (09022015). Collection method: clinical testing. Allele origin: germline.
Comment: This sequence change replaces tyrosine, which is neutral and polar, with aspartic acid, which is acidic and polar, at codon 2071 of the ABCA4 protein (p.Tyr2071Asp). In summary, the available evidence is currently insufficient to determine the role of this variant in disease. Therefore, it has been classified as a Variant of Uncertain Significance. Advanced modeling of protein sequence and biophysical properties (such as structural, functional, and spatial information, amino acid conservation, physicochemical variation, residue mobility, and thermodynamic stability) performed at Invitae indicates that this missense variant is expected to disrupt ABCA4 protein function. This variant has not been reported in the literature in individuals affected with ABCA4-related conditions. This variant is not present in population databases (gnomAD no frequency).